The following is an entry in ClinVar:

ClinVar aggregate classification (germline): Benign/Likely benign. Review status: criteria provided, multiple submitters, no conflicts (2 of 4 stars). 8 submissions from 8 submitters: Benign (2); Likely benign (4). 2 of the submissions do not count toward it. Last evaluated 2026-02-02.

Conditions:
FANCD2-related disorder. Also called: FANCD2-related condition.
Fanconi anemia (FA). Also called: Fanconi's anemia. Identifiers: Orphanet 84, MedGen C0015625, MeSH D005199, MONDO:0019391.
Fanconi anemia complementation group D2. Also called: FANCD2-Related Fanconi Anemia; FANCONI PANCYTOPENIA, TYPE 4; FANCONI ANEMIA, COMPLEMENTATION GROUP D. Identifiers: Orphanet 84, MedGen C3160738, MONDO:0009214, OMIM 227646.

Allele frequency attached by ClinVar (database versions not stated): ExAC 0.00052; 1000 Genomes Project 30x 0.00125; gnomAD 0.00165 and 0.00179; gnomAD exomes 0.00042; 1000 Genomes Project 0.00140; ESP Exome Variant Server 0.00177; TOPMed 0.00182.
gnomAD v4.1: 509 of 1,614,148 alleles (0.032%); highest among the groups gnomAD compares: African/African-American, 0.62%; no homozygotes.

Submissions (8):

Labcorp Genetics (formerly Invitae), Labcorp
Classification: Likely benign for Fanconi anemia. Last evaluated: 2026-02-02. Review status: criteria provided, single submitter. Criteria: Invitae Variant Classification Sherloc (09022015). Collection method: clinical testing. Allele origin: germline.

Blueprint Genetics
Classification: Benign. Last evaluated: 2023-09-13. Review status: criteria provided, single submitter. Criteria: ACMG Guidelines, 2015. Collection method: clinical testing. Allele origin: germline.

KCCC/NGS Laboratory, Kuwait Cancer Control Center
Classification: Likely benign for Fanconi anemia complementation group D2. Last evaluated: 2023-07-07. Review status: criteria provided, single submitter. Criteria: ACMG Guidelines, 2015. Collection method: clinical testing. Allele origin: germline. Affected: yes.

Genetic Services Laboratory, University of Chicago
Classification: Benign. Last evaluated: 2021-06-11. Review status: criteria provided, single submitter. Criteria: ACMG Guidelines, 2015. Collection method: clinical testing. Allele origin: germline. Affected: no.

Sema4
Classification: Likely benign for Fanconi anemia. Last evaluated: 2020-12-01. Review status: criteria provided, single submitter. Criteria: Sema4 Curation Guidelines. Collection method: curation. Allele origin: germline.

Breakthrough Genomics
Classification: Likely benign. Review status: criteria provided, single submitter. Criteria: ACMG Guidelines, 2015. Collection method: not provided. Allele origin: germline. Inheritance: Autosomal recessive inheritance. Affected: yes.

PreventionGenetics, part of Exact Sciences
Classification: Likely benign for FANCD2-related condition. Last evaluated: 2020-01-15. Review status: no assertion criteria provided. Collection method: clinical testing. Allele origin: germline. Not counted in ClinVar's aggregate classification.
Comment: This variant is classified as likely benign based on ACMG/AMP sequence variant interpretation guidelines (Richards et al. 2015 PMID: 25741868, with internal and published modifications).

ITMI
No classification provided. Condition: AllHighlyPenetrant. Last evaluated: 2013-09-19. Review status: no classification provided. Collection method: reference population. Allele origin: germline. Not counted in ClinVar's aggregate classification.
Comment: Please see associated publication for description of ethnicities

Literature cited by the submitters: PubMed 30256826 (cited by Sema4); PubMed 24728327 (cited by Sema4 and ITMI).

NM_001018115.3(FANCD2):c.4281+115C>A

Genes: FANCD2 (FA complementation group D2; plus strand), FANCD2OS (FANCD2 opposite strand; minus strand). Cytogenetic location: 3p25.3.
Variant type: single nucleotide variant.
Coding change: c.4281+115C>A on transcript NM_001018115.3 (MANE Select); 115 bases into the intron after coding-DNA position 4281, C replaced by A.
Molecular consequence: intron variant. On other transcripts: missense variant (2).
Genome position (GRCh38, 1-based): chr3:10,098,930, C>A. VCF-style: chr3-10098930-C-A. GRCh37 (hg19) VCF-style: chr3-10140614-C-A.
Other names: c.4357C>A, p.Pro1453Thr (NM_001374254.1); c.4396C>A, p.Pro1466Thr (NM_033084.6); c.4281+115C>A (NM_001319984.2); c.4170+115C>A (NM_001374253.1); c.*43+5268G>T (NM_173472.2); short protein forms P1466T, P1453T.
Identifiers: ClinVar variation 134329 (VCV000134329.58), dbSNP rs78896323, ClinGen allele CA159516.